The following is an entry in ClinVar:

NM_001130144.3(LTBP3):c.2912G>A (p.Cys971Tyr)

Gene: LTBP3 (latent transforming growth factor beta binding protein 3; minus strand). Cytogenetic location: 11q13.1.
Variant type: single nucleotide variant.
Coding change: c.2912G>A on transcript NM_001130144.3 (MANE Select); coding-DNA position 2912, G replaced by A.
Protein change: p.Cys971Tyr; replaces cysteine 971 with tyrosine.
Molecular consequence: missense variant.
Genome position (GRCh38, 1-based): chr11:65,540,936, C>T on the plus strand (G>A on the coding strand, the complement: LTBP3 is on the minus strand). VCF-style: chr11-65540936-C-T. GRCh37 (hg19) VCF-style: chr11-65308407-C-T.
Other names: p.Cys971Tyr; c.2561G>A, p.Cys854Tyr (NM_001164266.1); c.2912G>A, p.Cys971Tyr (NM_021070.4); short protein forms C854Y, C971Y.
Identifiers: ClinVar variation 3292252 (VCV003292252.2).
Genomic context (GRCh38, chr11:65,540,936, plus strand): 5'-TGGGCTGGGATGCCGTAGTTGACGATGTTGTTGTCCTGGGTGTAGCCCTTTCCGTCTGGG[C>T]AGAGGCTGTGGAACTCGGCTGCAGGGGCAGGGCGGCCGTGGGGAGGGAAGAGGCAGGACT-3'
Protein context (NP_001123616.1, residues 961-981): VYSSAEFHSL[Cys971Tyr]PDGKGYTQDN

ClinVar aggregate classification (germline): Uncertain significance. Review status: criteria provided, multiple submitters, no conflicts (2 of 4 stars). 2 submissions from 2 submitters: Uncertain significance (2). Last evaluated 2025-11-27.

Conditions:
Inborn genetic diseases. Identifiers: MedGen C0950123, MeSH D030342.

gnomAD v4.1: 1 of 1,613,522 alleles (0.000062%); highest among the groups gnomAD compares: Non-Finnish European, 0.000085%; no homozygotes.

Submissions (2):

Mayo Clinic Laboratories, Mayo Clinic
Classification: Uncertain significance. Last evaluated: 2025-11-27. Review status: criteria provided, single submitter. Criteria: ACMG Guidelines, 2015. Collection method: clinical testing. Allele origin: germline. Observed: 1 variant allele.
Comment: PP3_moderate, PM2_supporting

Ambry Genetics
Classification: Uncertain significance for Inborn genetic diseases. Last evaluated: 2024-06-18. Review status: criteria provided, single submitter. Criteria: Ambry Variant Classification Scheme 2023. Collection method: clinical testing. Allele origin: germline.
Comment: The p.C971Y variant (also known as c.2912G>A), located in coding exon 21 of the LTBP3 gene, results from a G to A substitution at nucleotide position 2912. The cysteine at codon 971 is replaced by tyrosine, an amino acid with highly dissimilar properties. This amino acid position is conserved. In addition, this alteration is predicted to be deleterious by in silico analysis. Based on the available evidence, the clinical significance of this variant remains unclear.